The following is an entry in ClinVar:

ClinVar aggregate classification (germline): Uncertain significance. Review status: criteria provided, multiple submitters, no conflicts (2 of 4 stars). 3 submissions from 3 submitters: Uncertain significance (3). Last evaluated 2024-07-09.

Conditions:
Cardiovascular phenotype. Identifiers: MedGen CN230736.
Walker-Warburg congenital muscular dystrophy. Also called: Muscular dystrophy-dystroglycanopathy, type A; Walker-Warburg syndrome. Identifiers: Orphanet 899, MedGen C0265221, MONDO:0000171.

Allele frequency attached by ClinVar (database versions not stated): gnomAD 0.00001; TOPMed 0.00001.
gnomAD v4.1: 14 of 1,614,024 alleles (0.00087%); highest among the groups gnomAD compares: Admixed American, 0.0017%; no homozygotes.

Submissions (4):

Blueprint Genetics
Classification: Uncertain significance. Last evaluated: 2024-07-09. Review status: criteria provided, single submitter. Criteria: ACMG Guidelines, 2015. Collection method: clinical testing. Allele origin: germline.

Labcorp Genetics (formerly Invitae), Labcorp
Classification: Uncertain significance for Walker-Warburg congenital muscular dystrophy. Last evaluated: 2024-03-11. Review status: criteria provided, single submitter. Criteria: Invitae Variant Classification Sherloc (09022015). Collection method: clinical testing. Allele origin: germline.
Comment: This sequence change replaces alanine, which is neutral and non-polar, with valine, which is neutral and non-polar, at codon 170 of the FKTN protein (p.Ala170Val). This variant is present in population databases (no rsID available, gnomAD 0.003%). This variant has not been reported in the literature in individuals affected with FKTN-related conditions. ClinVar contains an entry for this variant (Variation ID: 1745318). Advanced modeling of protein sequence and biophysical properties (such as structural, functional, and spatial information, amino acid conservation, physicochemical variation, residue mobility, and thermodynamic stability) performed at Invitae indicates that this missense variant is not expected to disrupt FKTN protein function with a negative predictive value of 80%. In summary, the available evidence is currently insufficient to determine the role of this variant in disease. Therefore, it has been classified as a Variant of Uncertain Significance.

Ambry Genetics
Classification: Uncertain significance for Cardiovascular phenotype. Last evaluated: 2020-10-14. Review status: criteria provided, single submitter. Criteria: Ambry Variant Classification Scheme 2023. Collection method: clinical testing. Allele origin: germline.
Comment: The p.A170V variant (also known as c.509C>T), located in coding exon 4 of the FKTN gene, results from a C to T substitution at nucleotide position 509. The alanine at codon 170 is replaced by valine, an amino acid with similar properties. This amino acid position is well conserved in available vertebrate species; however, valine is the reference amino acid in other vertebrate species. In addition, the in silico prediction for this alteration is inconclusive. Since supporting evidence is limited at this time, the clinical significance of this alteration remains unclear.

Dr. Peter K. Rogan Lab, Western University
No classification provided (evidence only). Condition: Uterine corpus endometrial carcinoma. Review status: no classification provided. Collection method: in vitro. Allele origin: not applicable. Functional consequence: retained intron. Not counted in ClinVar's aggregate classification.

NM_001079802.2(FKTN):c.509C>T (p.Ala170Val)

Gene: FKTN (fukutin; plus strand). Cytogenetic location: 9q31.2.
Variant type: single nucleotide variant.
Coding change: c.509C>T on transcript NM_001079802.2 (MANE Select); coding-DNA position 509, C replaced by T.
Protein change: p.Ala170Val; replaces alanine 170 with valine.
Molecular consequence: missense variant. On other transcripts: non-coding transcript variant (2).
Genome position (GRCh38, 1-based): chr9:105,604,354, C>T. VCF-style: chr9-105604354-C-T. GRCh37 (hg19) VCF-style: chr9-108366635-C-T.
Other names: c.509C>T, p.Ala170Val (NM_001198963.2, NM_001351496.2, NM_001351498.2 and 1 more transcripts); c.440C>T, p.Ala147Val (NM_001351497.2); c.113C>T, p.Ala38Val (NM_001351499.2, NM_001351500.2, NM_001351501.2 and 1 more transcripts); short protein forms A38V, A147V, A170V.
Identifiers: ClinVar variation 1745318 (VCV001745318.7), dbSNP rs119464997, ClinGen allele CA374332146.